The following is an entry in ClinVar:

NM_000444.6(PHEX):c.752del (p.Lys251fs)

Gene: PHEX (phosphate regulating endopeptidase X-linked; plus strand). Cytogenetic location: Xp22.11.
Variant type: Deletion.
Coding change: c.752del on transcript NM_000444.6 (MANE Select); coding-DNA position 752, one base deleted (A; older notation c.752delA).
Protein change: p.Lys251fs; shifts the reading frame from lysine 251.
Molecular consequence: frameshift variant.
Genome position (GRCh38, 1-based): chrX:22,094,002, A deleted; the last of 2 consecutive A bases (chrX:22,094,001-22,094,002); deleting either gives the same sequence. VCF-style (leftmost placement, unchanged base first): chrX-22094000-CA-C. GRCh37 (hg19) VCF-style: chrX-22112118-CA-C.
Other names: c.752del, p.Lys251fs (NM_001282754.2); short protein forms K251fs.
Identifiers: ClinVar variation 4717551 (VCV004717551.1).

ClinVar aggregate classification (germline): Pathogenic (1 of 4 stars; one submission).

Submission:

Labcorp Genetics (formerly Invitae), Labcorp
Classification: Pathogenic. Last evaluated: 2025-04-14. Review status: criteria provided, single submitter. Criteria: Invitae Variant Classification Sherloc (09022015). Collection method: clinical testing. Allele origin: germline.
Comment: This sequence change creates a premature translational stop signal (p.Lys251Serfs*10) in the PHEX gene. It is expected to result in an absent or disrupted protein product. Loss-of-function variants in PHEX are known to be pathogenic (PMID: 9097956, 9106524, 19219621). This variant is not present in population databases (gnomAD no frequency). This variant has not been reported in the literature in individuals affected with PHEX-related conditions. For these reasons, this variant has been classified as Pathogenic.

Literature cited by the submitters: PubMed 9097956; PubMed 9106524; PubMed 19219621.